The following is an entry in ClinVar:

ClinVar aggregate classification (germline): Uncertain significance (1 of 4 stars; one submission).

Allele frequency attached by ClinVar (database versions not stated): TOPMed below 0.00001.

Submission:

GeneDx
Classification: Uncertain significance. Last evaluated: 2023-01-27. Review status: criteria provided, single submitter. Criteria: GeneDx Variant Classification Process June 2021. Collection method: clinical testing. Allele origin: germline. Affected: yes.
Comment: Not observed at significant frequency in large population cohorts (gnomAD); In silico analysis supports that this missense variant does not alter protein structure/function; Has not been previously published as pathogenic or benign to our knowledge

NM_032436.4(CHAMP1):c.1075T>C (p.Trp359Arg)

Gene: CHAMP1 (chromosome alignment maintaining phosphoprotein 1; plus strand). Cytogenetic location: 13q34.
Variant type: single nucleotide variant.
Coding change: c.1075T>C on transcript NM_032436.4 (MANE Select); coding-DNA position 1075, T replaced by C.
Protein change: p.Trp359Arg; replaces tryptophan 359 with arginine.
Molecular consequence: missense variant.
Genome position (GRCh38, 1-based): chr13:114,324,917, T>C. VCF-style: chr13-114324917-T-C. GRCh37 (hg19) VCF-style: chr13-115090392-T-C.
Other names: c.1075T>C, p.Trp359Arg (NM_001164144.3, NM_001164145.3); short protein forms W359R.
Identifiers: ClinVar variation 2574493 (VCV002574493.1), dbSNP rs1200330065, ClinGen allele CA388847714.